The following is an entry in ClinVar:

ClinVar aggregate classification (germline): Uncertain significance (1 of 4 stars; one submission).

Conditions:
Beta-D-mannosidosis (MANSB). Also called: Beta-Mannosidosis; MANNOSIDOSIS, BETA A, LYSOSOMAL; BETA-MANNOSIDASE DEFICIENCY; LYSOSOMAL BETA-MANNOSIDASE DEFICIENCY. Identifiers: Orphanet 118, MedGen C4048196, MONDO:0009562, OMIM 248510.

Submission:

Labcorp Genetics (formerly Invitae), Labcorp
Classification: Uncertain significance for Beta-D-mannosidosis. Last evaluated: 2022-10-31. Review status: criteria provided, single submitter. Criteria: Invitae Variant Classification Sherloc (09022015). Collection method: clinical testing. Allele origin: germline.
Comment: In summary, the available evidence is currently insufficient to determine the role of this variant in disease. Therefore, it has been classified as a Variant of Uncertain Significance. Advanced modeling of protein sequence and biophysical properties (such as structural, functional, and spatial information, amino acid conservation, physicochemical variation, residue mobility, and thermodynamic stability) has been performed at Invitae for this missense variant, however the output from this modeling did not meet the statistical confidence thresholds required to predict the impact of this variant on MANBA protein function. This variant has not been reported in the literature in individuals affected with MANBA-related conditions. This variant is not present in population databases (gnomAD no frequency). This sequence change replaces arginine, which is basic and polar, with proline, which is neutral and non-polar, at codon 366 of the MANBA protein (p.Arg366Pro).

NM_005908.4(MANBA):c.1097G>C (p.Arg366Pro)

Gene: MANBA (mannosidase beta; minus strand). Cytogenetic location: 4q24.
Variant type: single nucleotide variant.
Coding change: c.1097G>C on transcript NM_005908.4 (MANE Select); coding-DNA position 1097, G replaced by C.
Protein change: p.Arg366Pro; replaces arginine 366 with proline.
Molecular consequence: missense variant.
Genome position (GRCh38, 1-based): chr4:102,673,934, C>G on the plus strand (G>C on the coding strand, the complement: MANBA is on the minus strand). VCF-style: chr4-102673934-C-G. GRCh37 (hg19) VCF-style: chr4-103595091-C-G.
Other names: short protein forms R366P.
Identifiers: ClinVar variation 2104718 (VCV002104718.4), dbSNP rs757289997, ClinGen allele CA357764539.